The following is an entry in ClinVar:

ClinVar aggregate classification (germline): Uncertain significance (1 of 4 stars; one submission).

Conditions:
Neurofibromatosis, type 1 (NF1). Also called: Neurofibromatosis, type I; NEUROFIBROMATOSIS, TYPE I, SOMATIC; Peripheral type neurofibromatosis; VON RECKLINGHAUSEN DISEASE. Identifiers: Orphanet 636, MedGen C0027831, MONDO:0018975, OMIM 162200. Disease mechanism: loss of function.

Submission:

Labcorp Genetics (formerly Invitae), Labcorp
Classification: Uncertain significance for Neurofibromatosis, type 1. Last evaluated: 2016-06-10. Review status: criteria provided, single submitter. Criteria: Invitae Variant Classification Sherloc (09022015). Collection method: clinical testing. Allele origin: germline.
Comment: In summary, this variant is a novel missense change with uncertain impact on protein function. Therefore, it has been classified as a Variant of Uncertain Significance. Algorithms developed to predict the effect of missense changes on protein structure and function do not agree on the potential impact of this missense change (SIFT: "Tolerated"; PolyPhen-2: "Probably Damaging"; Align-GVGD: "Class C0"). This variant is not present in population databases (ExAC no frequency) and has not been reported in the literature in individuals with a NF1-related disease. This sequence change replaces isoleucine with arginine at codon 1688 of the NF1 protein (p.Ile1688Arg). The isoleucine residue is moderately conserved and there is a moderate physicochemical difference between isoleucine and arginine.

NM_001042492.3(NF1):c.5126T>G (p.Ile1709Arg)

Gene: NF1 (neurofibromin 1; plus strand). Cytogenetic location: 17q11.2.
Variant type: single nucleotide variant.
Coding change: c.5126T>G on transcript NM_001042492.3 (MANE Select); coding-DNA position 5126, T replaced by G.
Protein change: p.Ile1709Arg; replaces isoleucine 1709 with arginine.
Molecular consequence: missense variant.
Genome position (GRCh38, 1-based): chr17:31,326,110, T>G. VCF-style: chr17-31326110-T-G. GRCh37 (hg19) VCF-style: chr17-29653128-T-G.
Other names: c.5063T>G, p.Ile1688Arg (NM_000267.4); short protein forms I1688R, I1709R.
Identifiers: ClinVar variation 404502 (VCV000404502.5), dbSNP rs876660316, ClinGen allele CA16615271.
Genomic context (GRCh38, chr17:31,326,110, plus strand): 5'-ACACCAAGTATCATGAGCGGCTGCTGACTGGCCTCAAAGGTAGCAAAAGGCTTGTTTTCA[T>G]AGACTGTCCTGGGAAACTGGCTGAGCACATAGAGCATGAACAACAGAAACTACCTGCTGC-3'
Protein context (NP_001035957.1, residues 1699-1719): GLKGSKRLVF[Ile1709Arg]DCPGKLAEHI